The following is an entry in ClinVar:

ClinVar aggregate classification (germline): Likely pathogenic. Review status: criteria provided, multiple submitters, no conflicts (2 of 4 stars). 2 submissions from 2 submitters: Likely pathogenic (2). Last evaluated 2024-06-17.

Conditions:
Microangiopathy and leukoencephalopathy, pontine, autosomal dominant. Also called: DEMENTIA, HEREDITARY MULTI-INFARCT, SWEDISH TYPE; Pontine autosomal dominant microangiopathy with leukoencephalopathy. Identifiers: Orphanet 477749, MedGen C5231411, MONDO:0032814, OMIM 618564.
Hemorrhage, intracerebral, susceptibility to (ICH). Also called: Stroke, hemorrhagic, susceptibility to. Identifiers: MedGen C3281105, MONDO:0100533, OMIM 614519.
Retinal arterial tortuosity. Also called: Retinal arteries, tortuosity of; RETINAL HEMORRHAGE WITH VASCULAR TORTUOSITY. Identifiers: Orphanet 75326, MedGen C0423401, MONDO:0008373, OMIM 180000, HP:0000631.
Brain small vessel disease 1 with or without ocular anomalies (BSVD1). Also called: BRAIN SMALL VESSEL DISEASE WITH HEMORRHAGE; Brain small vessel disease with or without ocular anomalies; GOULD SYNDROME 1; PORENCEPHALY, TYPE 1, AUTOSOMAL DOMINANT. Identifiers: Orphanet 2940, Orphanet 36383, Orphanet 99810, MedGen C4755307, MONDO:0008289, OMIM 175780.
Autosomal dominant familial hematuria-retinal arteriolar tortuosity-contractures syndrome. Also called: Angiopathy, hereditary, with nephropathy, aneurysms, and muscle cramps; Hereditary Angiopathy with Nephropathy, Aneurysms, and Muscle Cramps (HANAC) Syndrome. Identifiers: Orphanet 73229, MedGen C2673195, MONDO:0012726, OMIM 611773.

Submissions (2):

Fulgent Genetics
Classification: Likely pathogenic for Brain small vessel disease 1 with or without ocular anomalies; Retinal arterial tortuosity; Autosomal dominant familial hematuria-retinal arteriolar tortuosity-contractures syndrome; Hemorrhage, intracerebral, susceptibility to; Microangiopathy and leukoencephalopathy, pontine, autosomal dominant. Last evaluated: 2024-06-17. Review status: criteria provided, single submitter. Criteria: ACMG Guidelines, 2015. Collection method: clinical testing. Allele origin: germline.

MVZ Medizinische Genetik Mainz
Classification: Likely pathogenic for Autosomal dominant familial hematuria-retinal arteriolar tortuosity-contractures syndrome. Last evaluated: 2023-07-03. Review status: criteria provided, single submitter. Criteria: UK Practice Guidelines For Variant Classification V4 01 2020. Collection method: clinical testing. Allele origin: germline. Inheritance: Autosomal dominant inheritance. Affected: yes. Observed: 1 variant allele.
Comment: PVS1,PM2_SUP

NM_001845.6(COL4A1):c.1996C>T (p.Arg666Ter)

Gene: COL4A1 (collagen type IV alpha 1 chain; minus strand). Cytogenetic location: 13q34.
Variant type: single nucleotide variant.
Coding change: c.1996C>T on transcript NM_001845.6 (MANE Select); coding-DNA position 1996, C replaced by T.
Protein change: p.Arg666Ter; replaces arginine 666 with a stop codon.
Molecular consequence: nonsense.
Genome position (GRCh38, 1-based): chr13:110,183,092, G>A on the plus strand (C>T on the coding strand, the complement: COL4A1 is on the minus strand). VCF-style: chr13-110183092-G-A. GRCh37 (hg19) VCF-style: chr13-110835439-G-A.
Other names: short protein forms R666*.
Identifiers: ClinVar variation 3061862 (VCV003061862.2), dbSNP rs2501791888, ClinGen allele CA388722288.
Genomic context (GRCh38, chr13:110,183,092, plus strand): 5'-GGCCCACAGCGCCCTTCTCTCCTGGCAGGCCTGGCCTTCCTGGGGTTCCGGGAAAGCCTC[G>A]GTCTCCTGTGGTGAGAAAGACCAACAGTCAGCGTGAGAAAAACGTGAGGAAACTCTCGTG-3'